The following is an entry in ClinVar:

NM_006739.4(MCM5):c.554G>A (p.Arg185His)

Gene: MCM5 (minichromosome maintenance complex component 5; plus strand). Cytogenetic location: 22q12.3.
Variant type: single nucleotide variant.
Coding change: c.554G>A on transcript NM_006739.4 (MANE Select); coding-DNA position 554, G replaced by A.
Protein change: p.Arg185His; replaces arginine 185 with histidine.
Molecular consequence: missense variant.
Genome position (GRCh38, 1-based): chr22:35,406,683, G>A. VCF-style: chr22-35406683-G-A. GRCh37 (hg19) VCF-style: chr22-35802676-G-A.
Other names: short protein forms R185H.
Identifiers: ClinVar variation 4779342 (VCV004779342.1).
Genomic context (GRCh38, chr22:35,406,683, plus strand): 5'-CCACCCGCATCTCTATCCAGTGCCGCAGCTGCCGCAACACCCTCACCAACATTGCCATGC[G>A]CCCTGGCCTCGAGGGCTATGCCCTGCCCAGGAAGTGCAACACGTGAGTCTGTGGCCCAGA-3'
Protein context (NP_006730.2, residues 175-195): CRNTLTNIAM[Arg185His]PGLEGYALPR

ClinVar aggregate classification (germline): Uncertain significance (1 of 4 stars; one submission).

gnomAD v4.1: 11 of 1,610,898 alleles (0.00068%); highest among the groups gnomAD compares: East Asian, 0.0022%; no homozygotes.

Submission:

Labcorp Genetics (formerly Invitae), Labcorp
Classification: Uncertain significance. Last evaluated: 2025-11-01. Review status: criteria provided, single submitter. Criteria: Invitae Variant Classification Sherloc (09022015). Collection method: clinical testing. Allele origin: germline.
Comment: This sequence change replaces arginine, which is basic and polar, with histidine, which is basic and polar, at codon 185 of the MCM5 protein (p.Arg185His). This variant is not present in population databases (gnomAD no frequency). This variant has not been reported in the literature in individuals affected with MCM5-related conditions. Invitae Evidence Modeling of protein sequence and biophysical properties (such as structural, functional, and spatial information, amino acid conservation, physicochemical variation, residue mobility, and thermodynamic stability) indicates that this missense variant is not expected to disrupt MCM5 protein function with a negative predictive value of 80%. In summary, the available evidence is currently insufficient to determine the role of this variant in disease. Therefore, it has been classified as a Variant of Uncertain Significance.